The following is an entry in ClinVar:

NM_002430.3(MN1):c.1639C>T (p.Gln547Ter)

Gene: MN1 (MN1 proto-oncogene, transcriptional regulator; minus strand). Cytogenetic location: 22q12.1.
Variant type: single nucleotide variant.
Coding change: c.1639C>T on transcript NM_002430.3 (MANE Select); coding-DNA position 1639, C replaced by T.
Protein change: p.Gln547Ter; replaces glutamine 547 with a stop codon.
Molecular consequence: nonsense.
Genome position (GRCh38, 1-based): chr22:27,798,905, G>A on the plus strand (C>T on the coding strand, the complement: MN1 is on the minus strand). VCF-style: chr22-27798905-G-A. GRCh37 (hg19) VCF-style: chr22-28194893-G-A.
Other names: short protein forms Q547*.
Identifiers: ClinVar variation 4884231 (VCV004884231.2).

ClinVar aggregate classification (germline): Likely pathogenic (1 of 4 stars; one submission).

Submission:

Dasa
Classification: Likely pathogenic. Last evaluated: 2025-01-29. Review status: criteria provided, single submitter. Criteria: DASA Assertion Criteria. Collection method: clinical testing. Allele origin: germline.
Comment: NM_002430.3(MN1):c.1639C>T (p.Gln547*) is a nonsense variant in MN1 predicted to introduce a premature termination codon and is predicted to result in an absent or altered protein product. Loss of function is an established disease mechanism for MN1-associated disorders. Also, this variant is absent from population databases. Based on the currently available evidence, this variant is classified as likely pathogenic.